The following is an entry in ClinVar:

NM_001848.3(COL6A1):c.181A>G (p.Lys61Glu)

Gene: COL6A1 (collagen type VI alpha 1 chain; plus strand). Cytogenetic location: 21q22.3.
Variant type: single nucleotide variant.
Coding change: c.181A>G on transcript NM_001848.3 (MANE Select); coding-DNA position 181, A replaced by G.
Protein change: p.Lys61Glu; replaces lysine 61 with glutamic acid.
Molecular consequence: missense variant.
Genome position (GRCh38, 1-based): chr21:45,982,717, A>G. VCF-style: chr21-45982717-A-G. GRCh37 (hg19) VCF-style: chr21-47402631-A-G.
Other names: short protein forms K61E.
Identifiers: ClinVar variation 1391450 (VCV001391450.10), dbSNP rs1439633596, ClinGen allele CA410514721.

ClinVar aggregate classification (germline): Conflicting classifications of pathogenicity. Review status: criteria provided, conflicting classifications (1 of 4 stars). 2 submissions from 2 submitters: Uncertain significance (1); Likely benign (1). Last evaluated 2025-03-11.

Conditions:
Bethlem myopathy 1A. Also called: Bethlem myopathy 1; Bethlem Muscular Dystrophy; MYOPATHY, BENIGN CONGENITAL, WITH CONTRACTURES. Identifiers: Orphanet 610, MedGen CN029274, MONDO:0024530, OMIM 158810.
Collagen 6-related myopathy. Identifiers: MedGen CN117976, MONDO:0100225.
Ullrich congenital muscular dystrophy 1A. Also called: Ullrich congenital muscular dystrophy 1; Intermediate COL6-RD. Identifiers: Orphanet 75840, MedGen C0410179, MONDO:0009681, OMIM 254090.

Allele frequency attached by ClinVar (database versions not stated): gnomAD exomes below 0.00001.
gnomAD v4.1: 3 of 1,612,752 alleles (0.00019%); highest among the groups gnomAD compares: Admixed American, 0.0017%; no homozygotes.

Submissions (2):

Revvity Omics, Revvity
Classification: Uncertain significance. Last evaluated: 2025-03-11. Review status: criteria provided, single submitter. Criteria: ACMG Guidelines, 2015. Collection method: clinical testing. Allele origin: germline.

Labcorp Genetics (formerly Invitae), Labcorp
Classification: Likely benign for Bethlem myopathy 1A. Last evaluated: 2022-06-28. Review status: criteria provided, single submitter. Criteria: Invitae Variant Classification Sherloc (09022015). Collection method: clinical testing. Allele origin: germline.